The following is an entry in ClinVar:

NM_000297.4(PKD2):c.751C>T (p.Arg251Trp)

Gene: PKD2 (polycystin 2, transient receptor potential cation channel; plus strand). Cytogenetic location: 4q22.1.
Variant type: single nucleotide variant.
Coding change: c.751C>T on transcript NM_000297.4 (MANE Select); coding-DNA position 751, C replaced by T.
Protein change: p.Arg251Trp; replaces arginine 251 with tryptophan.
Molecular consequence: missense variant. On other transcripts: non-coding transcript variant (1).
Genome position (GRCh38, 1-based): chr4:88,036,261, C>T. VCF-style: chr4-88036261-C-T. GRCh37 (hg19) VCF-style: chr4-88957413-C-T.
Other names: short protein forms R251W.
Identifiers: ClinVar variation 2963653 (VCV002963653.3), dbSNP rs759089019, ClinGen allele CA3003793.

ClinVar aggregate classification (germline): Uncertain significance (1 of 4 stars; one submission).

Conditions:
Autosomal dominant polycystic kidney disease. Identifiers: Orphanet 730, MedGen C0085413, MONDO:0004691.

Allele frequency attached by ClinVar (database versions not stated): TOPMed below 0.00001; ExAC 0.00001; gnomAD 0.00001; gnomAD exomes 0.00003.
gnomAD v4.1: 47 of 1,613,498 alleles (0.0029%); highest among the groups gnomAD compares: Non-Finnish European, 0.0037%; no homozygotes.

Submission:

Labcorp Genetics (formerly Invitae), Labcorp
Classification: Uncertain significance for Autosomal dominant polycystic kidney disease. Last evaluated: 2022-10-30. Review status: criteria provided, single submitter. Criteria: Invitae Variant Classification Sherloc (09022015). Collection method: clinical testing. Allele origin: germline.
Comment: This sequence change replaces arginine, which is basic and polar, with tryptophan, which is neutral and slightly polar, at codon 251 of the PKD2 protein (p.Arg251Trp). This variant is present in population databases (rs759089019, gnomAD 0.004%). This variant has not been reported in the literature in individuals affected with PKD2-related conditions. Advanced modeling of protein sequence and biophysical properties (such as structural, functional, and spatial information, amino acid conservation, physicochemical variation, residue mobility, and thermodynamic stability) performed at Invitae indicates that this missense variant is not expected to disrupt PKD2 protein function. In summary, the available evidence is currently insufficient to determine the role of this variant in disease. Therefore, it has been classified as a Variant of Uncertain Significance.